The following is an entry in ClinVar:

ClinVar aggregate classification (germline): Uncertain significance (1 of 4 stars; one submission).

Submission:

Ambry Genetics
Classification: Uncertain significance. Last evaluated: 2026-01-20. Review status: criteria provided, single submitter. Criteria: Ambry Variant Classification Scheme 2023. Collection method: clinical testing. Allele origin: germline.
Comment: The p.R8G variant (also known as c.22C>G), located in coding exon 1 of the WNK2 gene, results from a C to G substitution at nucleotide position 22. The arginine at codon 8 is replaced by glycine, an amino acid with dissimilar properties. This amino acid position is conserved. In addition, this alteration is predicted to be tolerated by in silico analysis. Based on the available evidence, the clinical significance of this variant remains unclear.

NM_006648.4(WNK2):c.22C>G (p.Arg8Gly)

Gene: WNK2 (WNK lysine deficient protein kinase 2; plus strand). Cytogenetic location: 9q22.31.
Variant type: single nucleotide variant.
Coding change: c.22C>G on transcript NM_006648.4 (MANE Select); coding-DNA position 22, C replaced by G.
Protein change: p.Arg8Gly; replaces arginine 8 with glycine.
Molecular consequence: missense variant.
Genome position (GRCh38, 1-based): chr9:93,184,951, C>G. VCF-style: chr9-93184951-C-G. GRCh37 (hg19) VCF-style: chr9-95947233-C-G.
Other names: c.22C>G, p.Arg8Gly (NM_001282394.3); short protein forms R8G.
Identifiers: ClinVar variation 4844871 (VCV004844871.1).